The following is an entry in ClinVar:

NM_024675.4(PALB2):c.1947dup (p.Glu650fs)

Gene: PALB2 (partner and localizer of BRCA2; minus strand). Cytogenetic location: 16p12.2.
Variant type: Duplication.
Coding change: c.1947dup on transcript NM_024675.4 (MANE Select); coding-DNA position 1947, one base duplicated (A; older notation c.1947dupA).
Protein change: p.Glu650fs; shifts the reading frame from glutamic acid 650.
Molecular consequence: frameshift variant.
Genome position (GRCh38, 1-based): chr16:23,630,207, T duplicated on the plus strand (A on the coding strand, the reverse complement: PALB2 is on the minus strand); the first of 3 consecutive T bases (chr16:23,630,207-23,630,209); duplicating any one gives the same sequence. VCF-style (leftmost placement, unchanged base first): chr16-23630206-C-CT. GRCh37 (hg19) VCF-style: chr16-23641527-C-CT.
Other names: c.1947dupA (NM_024675.3); short protein forms E650fs.
Identifiers: ClinVar variation 126628 (VCV000126628.18), dbSNP rs515726075, ClinGen allele CA269515.

ClinVar aggregate classification (germline): Pathogenic/Likely pathogenic. Review status: criteria provided, multiple submitters, no conflicts (2 of 4 stars). 9 submissions from 9 submitters: Pathogenic (7); Likely pathogenic (1). 1 of the submissions does not count toward it. Last evaluated 2023-09-12.

Conditions:
Breast and/or ovarian cancer. Identifiers: MedGen CN221562.
Hereditary cancer-predisposing syndrome. Also called: Hereditary Cancer Syndrome; Hereditary neoplastic syndrome; Tumor predisposition; Neoplastic Syndromes, Hereditary. Identifiers: Orphanet 140162, MedGen C0027672, MeSH D009386, MONDO:0015356.
Familial cancer of breast. Also called: BREAST CANCER, FAMILIAL; hereditary breast carcinoma; Hereditary breast cancer. Identifiers: Orphanet 227535, MedGen C0346153, MONDO:0016419, OMIM 114480. Disease mechanism: loss of function.

Submissions (9):

Myriad Genetics, Inc.
Classification: Pathogenic for Familial cancer of breast. Last evaluated: 2023-09-12. Review status: criteria provided, single submitter. Criteria: Myriad Autosomal Dominant, Autosomal Recessive and X-Linked Classification Criteria (2023). Collection method: clinical testing. Allele origin: unknown.
Comment: This variant is considered pathogenic. This variant creates a frameshift predicted to result in premature protein truncation.

CHEO Genetics Diagnostic Laboratory, Children's Hospital of Eastern Ontario
Classification: Pathogenic for Breast and/or ovarian cancer. Last evaluated: 2022-03-08. Review status: criteria provided, single submitter. Criteria: ACMG Guidelines, 2015. Collection method: clinical testing. Allele origin: germline.

Human Genetics Bochum, Ruhr University Bochum
Classification: Pathogenic for Familial cancer of breast. Last evaluated: 2022-02-10. Review status: criteria provided, single submitter. Criteria: ACMG Guidelines, 2015. Collection method: clinical testing. Allele origin: germline. Affected: yes.
Comment: ACMG criteria used to clasify this variant: PVS1, PS4, PM2

MGZ Medical Genetics Center
Classification: Pathogenic for Familial cancer of breast. Last evaluated: 2022-02-10. Review status: criteria provided, single submitter. Criteria: ACMG Guidelines, 2015. Collection method: clinical testing. Allele origin: germline. Affected: yes. Observed: 1 variant allele.
Comment: ACMG criteria applied: PVS1, PS4_MOD, PM2_SUP

Genetics and Molecular Pathology, SA Pathology
Classification: Pathogenic for Familial cancer of breast. Last evaluated: 2020-04-24. Review status: criteria provided, single submitter. Criteria: ACMG Guidelines, 2015. Collection method: clinical testing. Allele origin: germline. Affected: yes.

Color Diagnostics, LLC DBA Color Health
Classification: Pathogenic for Hereditary cancer-predisposing syndrome. Last evaluated: 2020-01-15. Review status: criteria provided, single submitter. Criteria: ACMG Guidelines, 2015. Collection method: clinical testing. Allele origin: germline.
Comment: This variant inserts 1 nucleotide in exon 5 of the PALB2 gene, creating a frameshift and premature translation stop signal. This variant is expected to result in an absent or non-functional protein product. This variant has not been identified in the general population by the Genome Aggregation Database (gnomAD). Loss of PALB2 function is a known mechanism of disease. Based on the available evidence, this variant is classified as Pathogenic.

Ambry Genetics
Classification: Pathogenic for Hereditary cancer-predisposing syndrome. Last evaluated: 2019-08-19. Review status: criteria provided, single submitter. Criteria: Ambry Variant Classification Scheme 2023. Collection method: clinical testing. Allele origin: germline.
Comment: The c.1947dupA pathogenic mutation, located in coding exon 5 of the PALB2 gene, results from a duplication of A at nucleotide position 1947, causing a translational frameshift with a predicted alternate stop codon (p.E650Rfs*13). This alteration has been identified in multiple women affected with breast cancer (Teo ZL et al. Breast Cancer Res., 2013 Feb;15:R17; Thompson ER et al. Breast Cancer Res., 2015 Aug;17:111). Of note, this alteration is also designated as c.1947_1948insA in the reported literature. In addition to the clinical data presented in the literature, this alteration is expected to result in loss of function by premature protein truncation or nonsense-mediated mRNA decay. As such, this alteration is interpreted as a disease-causing mutation.

Cancer Genetics Laboratory, Peter MacCallum Cancer Centre
Classification: Likely pathogenic for Familial cancer of breast. Last evaluated: 2015-06-01. Review status: criteria provided, single submitter. Criteria: Thompson et al. (Breast Cancer Res. 2015). Collection method: case-control. Allele origin: germline. Affected: yes. Observed: 1 variant allele, 1 heterozygote.

Leiden Open Variation Database
Classification: Pathogenic for Familial cancer of breast. Last evaluated: 2019-05-13. Review status: no assertion criteria provided. Collection method: curation. Allele origin: germline. Affected: yes. Not counted in ClinVar's aggregate classification.
Comment: Curators: Marc Tischkowitz, Arleen D. Auerbach. Submitter to LOVD: Marc Tischkowitz.

Literature cited by the submitters: PubMed 23448497 (cited by Ambry Genetics and Leiden Open Variation Database); PubMed 26283626 (cited by Ambry Genetics); PubMed 26534844 (cited by Ambry Genetics); PubMed 24206657 (cited by Leiden Open Variation Database).